The following is an entry in ClinVar:

ClinVar aggregate classification (germline): Uncertain significance (1 of 4 stars; one submission).

gnomAD v4.1: 1 of 1,613,938 alleles (0.000062%); highest among the groups gnomAD compares: South Asian, 0.0011%; no homozygotes.

Submission:

Labcorp Genetics (formerly Invitae), Labcorp
Classification: Uncertain significance. Last evaluated: 2024-10-29. Review status: criteria provided, single submitter. Criteria: Invitae Variant Classification Sherloc (09022015). Collection method: clinical testing. Allele origin: germline.
Comment: This sequence change replaces methionine, which is neutral and non-polar, with leucine, which is neutral and non-polar, at codon 226 of the RLBP1 protein (p.Met226Leu). This variant is not present in population databases (gnomAD no frequency). This variant has not been reported in the literature in individuals affected with RLBP1-related conditions. ClinVar contains an entry for this variant (Variation ID: 1500899). Invitae Evidence Modeling of protein sequence and biophysical properties (such as structural, functional, and spatial information, amino acid conservation, physicochemical variation, residue mobility, and thermodynamic stability) indicates that this missense variant is not expected to disrupt RLBP1 protein function with a negative predictive value of 95%. This variant disrupts the p.Met226 amino acid residue in RLBP1. Other variant(s) that disrupt this residue have been determined to be pathogenic (PMID: 10102299, 12536144, 22551409). This suggests that this residue is clinically significant, and that variants that disrupt this residue are likely to be disease-causing. In summary, the available evidence is currently insufficient to determine the role of this variant in disease. Therefore, it has been classified as a Variant of Uncertain Significance.

Literature cited by the submitters: PubMed 10102299; PubMed 12536144; PubMed 22551409.

NM_000326.5(RLBP1):c.676A>C (p.Met226Leu)

Gene: RLBP1 (retinaldehyde binding protein 1; minus strand). Cytogenetic location: 15q26.1.
Variant type: single nucleotide variant.
Coding change: c.676A>C on transcript NM_000326.5 (MANE Select); coding-DNA position 676, A replaced by C.
Protein change: p.Met226Leu; replaces methionine 226 with leucine.
Molecular consequence: missense variant.
Genome position (GRCh38, 1-based): chr15:89,211,751, T>G on the plus strand (A>C on the coding strand, the complement: RLBP1 is on the minus strand). VCF-style: chr15-89211751-T-G. GRCh37 (hg19) VCF-style: chr15-89754982-T-G.
Other names: short protein forms M226L.
Identifiers: ClinVar variation 1500899 (VCV001500899.5), dbSNP rs1337271715, ClinGen allele CA393728978.